The following is an entry in ClinVar:

NM_001943.5(DSG2):c.206C>A (p.Pro69Gln)

Gene: DSG2 (desmoglein 2; plus strand). Cytogenetic location: 18q12.1.
Variant type: single nucleotide variant.
Coding change: c.206C>A on transcript NM_001943.5 (MANE Select); coding-DNA position 206, C replaced by A.
Protein change: p.Pro69Gln; replaces proline 69 with glutamine.
Molecular consequence: missense variant.
Genome position (GRCh38, 1-based): chr18:31,519,927, C>A. VCF-style: chr18-31519927-C-A. GRCh37 (hg19) VCF-style: chr18-29099890-C-A.
Other names: short protein forms P69Q.
Identifiers: ClinVar variation 3894421 (VCV003894421.1).
Genomic context (GRCh38, chr18:31,519,927, plus strand): 5'-GCGCCTGGATCACCGCCCCCGTGGCTCTTCGGGAGGGAGAGGATCTGTCCAAGAAGAATC[C>A]AATTGCCAAGGTACCTCCTAAAGAGGAACATGAAATACATGCATATGACTAAAATGTGGT-3'
Protein context (NP_001934.2, residues 59-79): REGEDLSKKN[Pro69Gln]IAKIHSDLAE

ClinVar aggregate classification (germline): Uncertain significance (1 of 4 stars; one submission).

Conditions:
Cardiomyopathy (CMYO). Also called: Cardiomyopathies. Identifiers: Orphanet 167848, MedGen C0878544, MONDO:0004994, HP:0001638. Inheritance: Various modes of inheritance.

Submission:

Color Diagnostics, LLC DBA Color Health
Classification: Uncertain significance for Cardiomyopathy. Last evaluated: 2024-01-17. Review status: criteria provided, single submitter. Criteria: ACMG Guidelines, 2015. Collection method: clinical testing. Allele origin: germline.
Comment: This missense variant replaces proline with glutamine at codon 69 of the DSG2 protein. Computational prediction suggests that this variant may not impact protein structure and function (internally defined REVEL score threshold <= 0.5, PMID: 27666373). To our knowledge, functional studies have not been reported for this variant. This variant has not been reported in individuals affected with DSG2-related disorders in the literature. This variant has not been identified in the general population by the Genome Aggregation Database (gnomAD). The available evidence is insufficient to determine the role of this variant in disease conclusively. Therefore, this variant is classified as a Variant of Uncertain Significance.